The following is an entry in ClinVar:

NM_000038.6(APC):c.423-7_423-6insC

Gene: APC (APC regulator of Wnt signaling pathway; plus strand). Cytogenetic location: 5q22.2.
Variant type: Insertion.
Coding change: c.423-7_423-6insC on transcript NM_000038.6 (MANE Select); 7 bases into the intron before coding-DNA position 423 through 6 bases into the intron before coding-DNA position 423, C inserted.
Molecular consequence: intron variant.
Genome position: GRCh38 VCF-style: chr5-112775622-A-AC. GRCh37 (hg19) VCF-style: chr5-112111319-A-AC.
Other names: c.-613-7_-613-6insC (NM_001407470.1, NM_001407472.1, NM_001354906.2 and 1 more transcripts); c.423-7_423-6insC (NM_001407447.1, NM_001354895.2, NM_001407456.1 and 16 more transcripts); c.453-7_453-6insC (NM_001407446.1, NM_001354897.2, NM_001354902.2 and 1 more transcripts); c.246-7_246-6insC (NM_001407453.1, NM_001354900.2, NM_001354901.2 and 1 more transcripts); c.348-7_348-6insC (NM_001407451.1, NM_001354898.2, NM_001354904.2).
Identifiers: ClinVar variation 3148645 (VCV003148645.1), dbSNP rs2532409840, ClinGen allele CA2674864977.

ClinVar aggregate classification (germline): Likely benign (1 of 4 stars; one submission).

Conditions:
Familial adenomatous polyposis 1 (FAP1). Also called: POLYPOSIS, ADENOMATOUS INTESTINAL; FAMILIAL ADENOMATOUS POLYPOSIS 1, ATTENUATED. Identifiers: MedGen C2713442, MONDO:0021056, OMIM 175100. Disease mechanism: loss of function.

Allele frequency attached by ClinVar (database versions not stated): gnomAD exomes below 0.00001.

Submission:

Myriad Genetics, Inc.
Classification: Likely benign for Familial adenomatous polyposis 1. Last evaluated: 2024-02-23. Review status: criteria provided, single submitter. Criteria: Myriad Autosomal Dominant, Autosomal Recessive and X-Linked Classification Criteria (2023). Collection method: clinical testing. Allele origin: unknown.
Comment: This variant is considered likely benign. This variant is intronic and is not expected to impact mRNA splicing.